The following is an entry in ClinVar:

NM_000186.4(CFH):c.2695T>G (p.Tyr899Asp)

Gene: CFH (complement factor H; plus strand). Cytogenetic location: 1q31.3.
Variant type: single nucleotide variant.
Coding change: c.2695T>G on transcript NM_000186.4 (MANE Select); coding-DNA position 2695, T replaced by G.
Protein change: p.Tyr899Asp; replaces tyrosine 899 with aspartic acid.
Molecular consequence: missense variant.
Genome position (GRCh38, 1-based): chr1:196,737,573, T>G. VCF-style: chr1-196737573-T-G. GRCh37 (hg19) VCF-style: chr1-196706703-T-G.
Other names: short protein forms Y899D.
Identifiers: ClinVar variation 4291503 (VCV004291503.2).

ClinVar aggregate classification (germline): Likely pathogenic, low penetrance (1 of 4 stars; one submission).

Conditions:
Atypical hemolytic-uremic syndrome. Identifiers: Orphanet 2134, MedGen C2931788, MONDO:0016244.

Submission:

Genomenon, Inc
Classification: Likely pathogenic, low penetrance for Atypical hemolytic-uremic syndrome. Last evaluated: 2025-10-02. Review status: criteria provided, single submitter. Criteria: Genomenon Sequence Variant Interpretation Standards - Updated. Collection method: curation. Allele origin: germline. Affected: yes.
Comment: CFH p.Tyr899Asp (c.2695T>G) is a missense variant that changes the amino acid at residue 899 from Tyrosine to Aspartic acid. This variant has been observed in at least one proband affected with atypical hemolytic uremic syndrome (PMID:23431077;20304497). It has been observed in trans with a pathogenic variant (PMID:20304497). Functional studies have been reported (PMID:34189567). It is absent or not present at a significant frequency in gnomAD. In conclusion, we classify CFH p.Tyr899Asp (c.2695T>G) as a likely pathogenic, low penetrance variant.

Literature cited by the submitters: PubMed 23431077; PubMed 20304497; PubMed 34189567; PubMed 25188723; PubMed 29686068; PubMed 20877372.